The following is an entry in ClinVar:

NM_014141.6(CNTNAP2):c.3585G>A (p.Arg1195=)

Gene: CNTNAP2 (contactin associated protein 2; plus strand). Cytogenetic location: 7q36.1.
Variant type: single nucleotide variant.
Coding change: c.3585G>A on transcript NM_014141.6 (MANE Select); coding-DNA position 3585, G replaced by A.
Protein change: p.Arg1195=; no amino-acid change (arginine 1195 retained).
Molecular consequence: synonymous variant.
Genome position (GRCh38, 1-based): chr7:148,383,758, G>A. VCF-style: chr7-148383758-G-A. GRCh37 (hg19) VCF-style: chr7-148080850-G-A.
Other names: p.R1195R:AGG>AGA.
Identifiers: ClinVar variation 136828 (VCV000136828.20), dbSNP rs77789547, ClinGen allele CA290187.

ClinVar aggregate classification (germline): Benign/Likely benign. Review status: criteria provided, multiple submitters, no conflicts (2 of 4 stars). 7 submissions from 7 submitters: Benign (3); Likely benign (4). Last evaluated 2026-05-01.

Conditions:
Inborn genetic diseases. Identifiers: MedGen C0950123, MeSH D030342.
Cortical dysplasia-focal epilepsy syndrome (PTHSL1). Also called: Pitt-Hopkins-like syndrome 1. Identifiers: Orphanet 163681, Orphanet 221150, MedGen C2750246, MONDO:0012400, OMIM 610042.

Allele frequency attached by ClinVar (database versions not stated): gnomAD exomes 0.00028 and 0.00068; ExAC 0.00087; gnomAD 0.00279 and 0.00300; ESP Exome Variant Server 0.00284; TOPMed 0.00311; 1000 Genomes Project 0.00359; 1000 Genomes Project 30x 0.00406.
gnomAD v4.1: 844 of 1,614,140 alleles (0.052%); highest among the groups gnomAD compares: African/African-American, 1.1%; 8 homozygotes.

Submissions (7):

CeGaT Center for Human Genetics Tuebingen
Classification: Likely benign. Last evaluated: 2026-05-01. Review status: criteria provided, single submitter. Criteria: CeGaT Center For Human Genetics Tuebingen Variant Classification Criteria Version 2. Collection method: clinical testing. Allele origin: germline. Affected: yes. Observed: 1 variant allele.
Comment: CNTNAP2: BP4, BP7, BS1

Labcorp Genetics (formerly Invitae), Labcorp
Classification: Benign for Cortical dysplasia-focal epilepsy syndrome. Last evaluated: 2026-02-03. Review status: criteria provided, single submitter. Criteria: Invitae Variant Classification Sherloc (09022015). Collection method: clinical testing. Allele origin: germline.

Blueprint Genetics
Classification: Likely benign. Last evaluated: 2024-11-26. Review status: criteria provided, single submitter. Criteria: ACMG Guidelines, 2015. Collection method: clinical testing. Allele origin: germline.

ARUP Laboratories, Molecular Genetics and Genomics, ARUP Laboratories
Classification: Benign. Last evaluated: 2024-09-17. Review status: criteria provided, single submitter. Criteria: ARUP Molecular Germline Variant Investigation Process 2024. Collection method: clinical testing. Allele origin: germline.

Ambry Genetics
Classification: Likely benign for Inborn genetic diseases. Last evaluated: 2017-03-27. Review status: criteria provided, single submitter. Criteria: Ambry Variant Classification Scheme 2023. Collection method: clinical testing. Allele origin: germline.

Athena Diagnostics
Classification: Likely benign. Last evaluated: 2016-10-14. Review status: criteria provided, single submitter. Criteria: Athena Diagnostics Criteria. Collection method: clinical testing. Allele origin: germline.

GeneDx
Classification: Benign. Last evaluated: 2014-04-25. Review status: criteria provided, single submitter. Criteria: GeneDx Variant Classification (06012015). Collection method: clinical testing. Allele origin: germline. Affected: yes.
Comment: This variant is considered likely benign or benign based on one or more of the following criteria: it is a conservative change, it occurs at a poorly conserved position in the protein, it is predicted to be benign by multiple in silico algorithms, and/or has population frequency not consistent with disease.